The following is an entry in ClinVar:

NM_001111.5(ADAR):c.85C>T (p.Gln29Ter)

Gene: ADAR (adenosine deaminase RNA specific; minus strand). Cytogenetic location: 1q21.3.
Variant type: single nucleotide variant.
Coding change: c.85C>T on transcript NM_001111.5 (MANE Select); coding-DNA position 85, C replaced by T.
Protein change: p.Gln29Ter; replaces glutamine 29 with a stop codon.
Molecular consequence: nonsense. On other transcripts: 5 prime UTR variant (6).
Genome position (GRCh38, 1-based): chr1:154,602,557, G>A on the plus strand (C>T on the coding strand, the complement: ADAR is on the minus strand). VCF-style: chr1-154602557-G-A. GRCh37 (hg19) VCF-style: chr1-154575033-G-A.
Other names: c.-801C>T (NM_001025107.3, NM_001193495.2, NM_001365048.1); c.112C>T, p.Gln38Ter (NM_001365045.1); c.-665C>T (NM_001365046.1, NM_001365047.1, NM_001365049.1); c.85C>T, p.Gln29Ter (NM_015840.4, NM_015841.4); short protein forms Q38*, Q29*.
Identifiers: ClinVar variation 1356340 (VCV001356340.6), dbSNP rs2101645916, ClinGen allele CA342607095.

ClinVar aggregate classification (germline): Pathogenic (1 of 4 stars; one submission).

Conditions:
Symmetrical dyschromatosis of extremities (DSH). Also called: Dyschromatosis symmetrica hereditaria; DYSCHROMATOSIS SYMMETRICA HEREDITARIA 1; RETICULATE ACROPIGMENTATION OF DOHI; SYMMETRIC DYSCHROMATOSIS OF THE EXTREMITIES. Identifiers: Orphanet 41, MedGen C0406775, MONDO:0007483, OMIM 127400.
Aicardi-Goutieres syndrome 6 (AGS6). Identifiers: Orphanet 51, MedGen C3539013, MONDO:0014007, OMIM 615010.

Allele frequency attached by ClinVar (database versions not stated): gnomAD exomes below 0.00001.

Submission:

Labcorp Genetics (formerly Invitae), Labcorp
Classification: Pathogenic for Aicardi-Goutieres syndrome 6; Symmetrical dyschromatosis of extremities. Last evaluated: 2021-07-22. Review status: criteria provided, single submitter. Criteria: Invitae Variant Classification Sherloc (09022015). Collection method: clinical testing. Allele origin: germline.
Comment: This sequence change creates a premature translational stop signal (p.Gln29*) in the ADAR gene. It is expected to result in an absent or disrupted protein product. Loss-of-function variants in ADAR are known to be pathogenic (PMID: 22974014). This variant is not present in population databases (ExAC no frequency). This variant has not been reported in the literature in individuals affected with ADAR-related conditions. For these reasons, this variant has been classified as Pathogenic.

Literature cited by the submitters: PubMed 22974014.